The following is an entry in ClinVar:

ClinVar aggregate classification (germline): Uncertain significance (1 of 4 stars; one submission).

Allele frequency attached by ClinVar (database versions not stated): TOPMed below 0.00001.
gnomAD v4.1: 2 of 1,550,266 alleles (0.00013%); highest among the groups gnomAD compares: Non-Finnish European, 0.00017%; no homozygotes.

Submission:

Labcorp Genetics (formerly Invitae), Labcorp
Classification: Uncertain significance. Last evaluated: 2022-10-13. Review status: criteria provided, single submitter. Criteria: Invitae Variant Classification Sherloc (09022015). Collection method: clinical testing. Allele origin: germline.
Comment: ClinVar contains an entry for this variant (Variation ID: 1446906). Algorithms developed to predict the effect of missense changes on protein structure and function are either unavailable or do not agree on the potential impact of this missense change (SIFT: "Tolerated"; PolyPhen-2: "Probably Damaging"; Align-GVGD: "Class C0"). In summary, the available evidence is currently insufficient to determine the role of this variant in disease. Therefore, it has been classified as a Variant of Uncertain Significance. This variant has not been reported in the literature in individuals affected with OTOG-related conditions. This sequence change replaces asparagine, which is neutral and polar, with serine, which is neutral and polar, at codon 2314 of the OTOG protein (p.Asn2314Ser). This variant is not present in population databases (gnomAD no frequency).

NM_001292063.2(OTOG):c.6905A>G (p.Asn2302Ser)

Gene: OTOG (otogelin; plus strand). Cytogenetic location: 11p15.1.
Variant type: single nucleotide variant.
Coding change: c.6905A>G on transcript NM_001292063.2 (MANE Select); coding-DNA position 6905, A replaced by G.
Protein change: p.Asn2302Ser; replaces asparagine 2302 with serine.
Molecular consequence: missense variant.
Genome position (GRCh38, 1-based): chr11:17,631,894, A>G. VCF-style: chr11-17631894-A-G. GRCh37 (hg19) VCF-style: chr11-17653441-A-G.
Other names: c.6941A>G, p.Asn2314Ser (NM_001277269.2); short protein forms N2314S, N2302S.
Identifiers: ClinVar variation 1446906 (VCV001446906.8), dbSNP rs1485663504, ClinGen allele CA379809959.